The following is an entry in ClinVar:

NM_198253.3(TERT):c.34T>C (p.Ser12Pro)

Genes: TERT (telomerase reverse transcriptase; minus strand), LOC110806263 (TERT 5' regulatory region; plus strand). Cytogenetic location: 5p15.33.
Variant type: single nucleotide variant.
Coding change: c.34T>C on transcript NM_198253.3 (MANE Select); coding-DNA position 34, T replaced by C.
Protein change: p.Ser12Pro; replaces serine 12 with proline.
Molecular consequence: missense variant. On other transcripts: non-coding transcript variant (2).
Genome position (GRCh38, 1-based): chr5:1,294,956, A>G on the plus strand (T>C on the coding strand, the complement: TERT is on the minus strand). VCF-style: chr5-1294956-A-G. GRCh37 (hg19) VCF-style: chr5-1295071-A-G.
Other names: c.34T>C, p.Ser12Pro (NM_001193376.3, NM_003219.1); short protein forms S12P.
Identifiers: ClinVar variation 2946279 (VCV002946279.3), dbSNP rs2126692858, ClinGen allele CA359059882.

ClinVar aggregate classification (germline): Uncertain significance (1 of 4 stars; one submission).

Conditions:
Dyskeratosis congenita, autosomal dominant 2. Identifiers: MedGen C3151443, MONDO:0013521, OMIM 613989.
Idiopathic Pulmonary Fibrosis. Also called: Idiopathic fibrosing alveolitis, chronic form; idiopathic fibrosing alveolitis. Identifiers: Orphanet 2032, MedGen C1800706, MeSH D054990, MONDO:0800504.

Submission:

Labcorp Genetics (formerly Invitae), Labcorp
Classification: Uncertain significance for Dyskeratosis congenita, autosomal dominant 2; Idiopathic Pulmonary Fibrosis. Last evaluated: 2023-04-07. Review status: criteria provided, single submitter. Criteria: Invitae Variant Classification Sherloc (09022015). Collection method: clinical testing. Allele origin: germline.
Comment: In summary, the available evidence is currently insufficient to determine the role of this variant in disease. Therefore, it has been classified as a Variant of Uncertain Significance. Advanced modeling of protein sequence and biophysical properties (such as structural, functional, and spatial information, amino acid conservation, physicochemical variation, residue mobility, and thermodynamic stability) has been performed at Invitae for this missense variant, however the output from this modeling did not meet the statistical confidence thresholds required to predict the impact of this variant on TERT protein function. This variant has not been reported in the literature in individuals affected with TERT-related conditions. This variant is not present in population databases (gnomAD no frequency). This sequence change replaces serine, which is neutral and polar, with proline, which is neutral and non-polar, at codon 12 of the TERT protein (p.Ser12Pro).